The following is an entry in ClinVar:

ClinVar aggregate classification (germline): Likely benign. Review status: criteria provided, multiple submitters, no conflicts (2 of 4 stars). 6 submissions from 6 submitters: Likely benign (6). Last evaluated 2025-10-31.

Allele frequency attached by ClinVar (database versions not stated): gnomAD 0.00002; TOPMed 0.00002; gnomAD exomes 0.00004; ExAC 0.00006.
gnomAD v4.1: 45 of 1,613,728 alleles (0.0028%); highest among the groups gnomAD compares: Middle Eastern, 0.31%; no homozygotes.

Submissions (6):

Labcorp Genetics (formerly Invitae), Labcorp
Classification: Likely benign. Last evaluated: 2025-10-31. Review status: criteria provided, single submitter. Criteria: Invitae Variant Classification Sherloc (09022015). Collection method: clinical testing. Allele origin: germline.

Blueprint Genetics
Classification: Likely benign. Last evaluated: 2024-10-25. Review status: criteria provided, single submitter. Criteria: ACMG Guidelines, 2015. Collection method: clinical testing. Allele origin: germline.

GeneDx
Classification: Likely benign. Last evaluated: 2020-08-11. Review status: criteria provided, single submitter. Criteria: GeneDx Variant Classification Process June 2021. Collection method: clinical testing. Allele origin: germline. Affected: yes.

Laboratory for Molecular Medicine, Mass General Brigham Personalized Medicine
Classification: Likely benign. Last evaluated: 2013-09-07. Review status: criteria provided, single submitter. Criteria: LMM Criteria. Collection method: clinical testing. Allele origin: germline. Observed: 2 variant alleles.
Comment: Lys2219Lys in Exon 31 of MYO15A: This variant is not expected to have clinical s ignificance because it does not alter an amino acid residue and it is not locate d within the splice consensus sequence.

Breakthrough Genomics
Classification: Likely benign. Review status: criteria provided, single submitter. Criteria: ACMG Guidelines, 2015. Collection method: not provided. Allele origin: germline. Inheritance: Autosomal recessive inheritance. Affected: yes.

PreventionGenetics, part of Exact Sciences
Classification: Likely benign. Review status: criteria provided, single submitter. Criteria: ACMG Guidelines, 2015. Collection method: clinical testing. Allele origin: germline.

NM_016239.4(MYO15A):c.6657G>A (p.Lys2219=)

Gene: MYO15A (myosin XVA; plus strand). Cytogenetic location: 17p11.2.
Variant type: single nucleotide variant.
Coding change: c.6657G>A on transcript NM_016239.4 (MANE Select); coding-DNA position 6657, G replaced by A.
Protein change: p.Lys2219=; no amino-acid change (lysine 2219 retained).
Molecular consequence: synonymous variant.
Genome position (GRCh38, 1-based): chr17:18,148,176, G>A. VCF-style: chr17-18148176-G-A. GRCh37 (hg19) VCF-style: chr17-18051490-G-A.
Identifiers: ClinVar variation 179206 (VCV000179206.17), dbSNP rs727504708, ClinGen allele CA183953.